The following is an entry in ClinVar:

ClinVar aggregate classification (germline): Benign. Review status: criteria provided, multiple submitters, no conflicts (2 of 4 stars). 3 submissions from 3 submitters: Benign (3). Last evaluated 2026-02-02.

Conditions:
Fraser syndrome 2 (FRASRS2). Identifiers: MedGen C4540036, MONDO:0054738, OMIM 617666.

Allele frequency attached by ClinVar (database versions not stated): gnomAD exomes 0.00234; ExAC 0.00298; gnomAD 0.00910 and 0.00953; ESP Exome Variant Server 0.00984; TOPMed 0.01003; 1000 Genomes Project 30x 0.01390; 1000 Genomes Project 0.01438.
gnomAD v4.1: 2,688 of 1,613,890 alleles (0.17%); highest among the groups gnomAD compares: African/African-American, 3.1%; 39 homozygotes.

Submissions (3):

Labcorp Genetics (formerly Invitae), Labcorp
Classification: Benign. Last evaluated: 2026-02-02. Review status: criteria provided, single submitter. Criteria: Invitae Variant Classification Sherloc (09022015). Collection method: clinical testing. Allele origin: germline.

Illumina Laboratory Services, Illumina
Classification: Benign for Fraser syndrome 2. Last evaluated: 2018-01-13. Review status: criteria provided, single submitter. Criteria: ICSL Variant Classification Criteria 13 December 2019. Collection method: clinical testing. Allele origin: germline.
Comment: This variant was observed in the ICSL laboratory as part of a predisposition screen in an ostensibly healthy population. It had not been previously curated by ICSL or reported in the Human Gene Mutation Database (HGMD: prior to June 1st, 2018), and was therefore a candidate for classification through an automated scoring system. Utilizing variant allele frequency, disease prevalence and penetrance estimates, and inheritance mode, an automated score was calculated to assess if this variant is too frequent to cause the disease. Based on the score and internal cut-off values, a variant classified as benign is not then subjected to further curation. The score for this variant resulted in a classification of benign for this disease.

Breakthrough Genomics
Classification: Benign. Review status: criteria provided, single submitter. Criteria: ACMG Guidelines, 2015. Collection method: not provided. Allele origin: germline. Inheritance: Autosomal recessive inheritance. Affected: yes.

NM_207361.6(FREM2):c.6339C>T (p.Pro2113=)

Gene: FREM2 (FRAS1 related extracellular matrix 2; plus strand). Cytogenetic location: 13q13.3.
Variant type: single nucleotide variant.
Coding change: c.6339C>T on transcript NM_207361.6 (MANE Select); coding-DNA position 6339, C replaced by T.
Protein change: p.Pro2113=; no amino-acid change (proline 2113 retained).
Molecular consequence: synonymous variant.
Genome position (GRCh38, 1-based): chr13:38,848,630, C>T. VCF-style: chr13-38848630-C-T. GRCh37 (hg19) VCF-style: chr13-39422767-C-T.
Identifiers: ClinVar variation 312007 (VCV000312007.15), dbSNP rs116383837, ClinGen allele CA6955521.